The following is an entry in ClinVar:

ClinVar aggregate classification (germline): Pathogenic/Likely pathogenic. Review status: criteria provided, multiple submitters, no conflicts (2 of 4 stars). 3 submissions from 3 submitters: Pathogenic (2); Likely pathogenic (1). Last evaluated 2025-04-24.

Conditions:
BEST1-related disorder. Also called: BEST1-related condition; BEST1-related disorders. Identifiers: MedGen CN239200.
Vitelliform macular dystrophy 2. Also called: MACULAR DEGENERATION, POLYMORPHIC VITELLINE; Best vitelliform macular dystrophy, multifocal; Best Macular Dystrophy; Best Vitelliform Macular Dystrophy (BVMD); VITELLIFORM MACULAR DYSTROPHY, EARLY-ONSET; VITELLIFORM MACULAR DYSTROPHY, JUVENILE-ONSET. Identifiers: Orphanet 1243, MedGen C2745945, MONDO:0007931, OMIM 153700.

Submissions (3):

Labcorp Genetics (formerly Invitae), Labcorp
Classification: Pathogenic. Last evaluated: 2025-04-24. Review status: criteria provided, single submitter. Criteria: Invitae Variant Classification Sherloc (09022015). Collection method: clinical testing. Allele origin: germline.
Comment: This sequence change replaces threonine, which is neutral and polar, with alanine, which is neutral and non-polar, at codon 6 of the BEST1 protein (p.Thr6Ala). This variant is not present in population databases (gnomAD no frequency). This missense change has been observed in individual(s) with autosomal dominant Best macular dystrophy (PMID: 16769844). In at least one individual the variant was observed to be de novo. ClinVar contains an entry for this variant (Variation ID: 858577). Invitae Evidence Modeling of protein sequence and biophysical properties (such as structural, functional, and spatial information, amino acid conservation, physicochemical variation, residue mobility, and thermodynamic stability) indicates that this missense variant is expected to disrupt BEST1 protein function with a positive predictive value of 95%. This variant disrupts the p.Thr6 amino acid residue in BEST1. Other variant(s) that disrupt this residue have been observed in individuals with BEST1-related conditions (PMID: 9662395, 28687848), which suggests that this may be a clinically significant amino acid residue. For these reasons, this variant has been classified as Pathogenic.

SingHealth Duke-NUS Institute of Precision Medicine
Classification: Likely pathogenic for Vitelliform macular dystrophy 2. Last evaluated: 2025-02-05. Review status: criteria provided, single submitter. Criteria: PRISM ACMG Classification Criteria. Collection method: clinical testing. Allele origin: germline. Affected: yes.
Comment: Variant is located in a mutational hotspot where >50% of variants are pathogenic (PM1). Variant is not found in gnomAD exomes or genomes (PM2). Other variants at this amino acid residue have been classified as pathogenic/likely pathogenic (PM5, p.Thr6Lys; p.Thr6Ile; p.Thr6Arg). REVEL score is 0.753 (PP3_mod)

Blueprint Genetics
Classification: Pathogenic for BEST1-related disorders. Last evaluated: 2021-10-26. Review status: criteria provided, single submitter. Criteria: ACMG Guidelines, 2015. Collection method: clinical testing. Allele origin: germline. Affected: yes. Observed: 5 variant alleles.

Literature cited by the submitters: PubMed 16769844 (cited by Labcorp Genetics (formerly Invitae), Labcorp); PubMed 9662395 (cited by Labcorp Genetics (formerly Invitae), Labcorp); PubMed 28687848 (cited by Labcorp Genetics (formerly Invitae), Labcorp).

NM_004183.4(BEST1):c.16A>G (p.Thr6Ala)

Gene: BEST1 (bestrophin 1; plus strand). Cytogenetic location: 11q12.3.
Variant type: single nucleotide variant.
Coding change: c.16A>G on transcript NM_004183.4 (MANE Select); coding-DNA position 16, A replaced by G.
Protein change: p.Thr6Ala; replaces threonine 6 with alanine.
Molecular consequence: missense variant. On other transcripts: non-coding transcript variant (1), intron variant (6).
Genome position (GRCh38, 1-based): chr11:61,951,822, A>G. VCF-style: chr11-61951822-A-G. GRCh37 (hg19) VCF-style: chr11-61719294-A-G.
Other names: c.16A>G, p.Thr6Ala (NM_001363592.2, NM_001440571.1, NM_001440572.1 and 1 more transcripts); c.-29+1395A>G (NM_001139443.3, NM_001300787.2, NM_001440574.1 and 3 more transcripts); short protein forms T6A.
Identifiers: ClinVar variation 858577 (VCV000858577.13), dbSNP rs28940275, ClinGen allele CA380830940.